The following is an entry in ClinVar:

NM_014141.6(CNTNAP2):c.344T>C (p.Met115Thr)

Gene: CNTNAP2 (contactin associated protein 2; plus strand). Cytogenetic location: 7q35.
Variant type: single nucleotide variant.
Coding change: c.344T>C on transcript NM_014141.6 (MANE Select); coding-DNA position 344, T replaced by C.
Protein change: p.Met115Thr; replaces methionine 115 with threonine.
Molecular consequence: missense variant.
Genome position (GRCh38, 1-based): chr7:146,839,846, T>C. VCF-style: chr7-146839846-T-C. GRCh37 (hg19) VCF-style: chr7-146536938-T-C.
Other names: short protein forms M115T.
Identifiers: ClinVar variation 2415958 (VCV002415958.2), dbSNP rs1803685550, ClinGen allele CA369922755.
Genomic context (GRCh38, chr7:146,839,846, plus strand): 5'-TCAGTGCCATTGCAACCCAAGGAAGGTATAGCAGCTCAGATTGGGTGACCCAATACCGGA[T>C]GCTCTACAGCGACACAGGGAGAAACTGGAAACCCTATCATCAAGATGGGAATATCTGGGT-3'
Protein context (NP_054860.1, residues 105-125): SSSDWVTQYR[Met115Thr]LYSDTGRNWK

ClinVar aggregate classification (germline): Uncertain significance (1 of 4 stars; one submission).

Conditions:
Cortical dysplasia-focal epilepsy syndrome (PTHSL1). Also called: Pitt-Hopkins-like syndrome 1. Identifiers: Orphanet 163681, Orphanet 221150, MedGen C2750246, MONDO:0012400, OMIM 610042.

Allele frequency attached by ClinVar (database versions not stated): gnomAD 0.00001.

Submission:

Labcorp Genetics (formerly Invitae), Labcorp
Classification: Uncertain significance for Cortical dysplasia-focal epilepsy syndrome. Last evaluated: 2022-05-21. Review status: criteria provided, single submitter. Criteria: Invitae Variant Classification Sherloc (09022015). Collection method: clinical testing. Allele origin: germline.
Comment: This sequence change replaces methionine, which is neutral and non-polar, with threonine, which is neutral and polar, at codon 115 of the CNTNAP2 protein (p.Met115Thr). This variant is not present in population databases (gnomAD no frequency). This variant has not been reported in the literature in individuals affected with CNTNAP2-related conditions. Algorithms developed to predict the effect of missense changes on protein structure and function are either unavailable or do not agree on the potential impact of this missense change (SIFT: "Deleterious"; PolyPhen-2: "Benign"; Align-GVGD: "Class C0"). In summary, the available evidence is currently insufficient to determine the role of this variant in disease. Therefore, it has been classified as a Variant of Uncertain Significance.